The following is an entry in ClinVar:

NM_000388.4(CASR):c.2111del (p.Leu704fs)

Gene: CASR (calcium sensing receptor; plus strand). Cytogenetic location: 3q21.1.
Variant type: Deletion.
Coding change: c.2111del on transcript NM_000388.4 (MANE Select); coding-DNA position 2111, one base deleted (T; older notation c.2111delT).
Protein change: p.Leu704fs; shifts the reading frame from leucine 704.
Molecular consequence: frameshift variant.
Genome position (GRCh38, 1-based): chr3:122,284,065, T deleted. VCF-style (leftmost placement, unchanged base first): chr3-122284064-CT-C. GRCh37 (hg19) VCF-style: chr3-122002911-CT-C.
Other names: c.2141del, p.Leu714fs (NM_001178065.2); short protein forms L704fs, L714fs.
Identifiers: ClinVar variation 4818862 (VCV004818862.1).

ClinVar aggregate classification (germline): Likely pathogenic (1 of 4 stars; one submission).

Conditions:
Familial hypocalciuric hypercalcemia 1. Also called: Hypercalcemia, familial benign type 1. Identifiers: Orphanet 405, Orphanet 93372, MedGen C0342637, MONDO:0007791, OMIM 145980.

Submission:

MVZ Medizinische Genetik Mainz
Classification: Likely pathogenic for Familial hypocalciuric hypercalcemia 1. Last evaluated: 2026-02-26. Review status: criteria provided, single submitter. Criteria: UK Practice Guidelines For Variant Classification V4 01 2020. Collection method: clinical testing. Allele origin: germline. Inheritance: Autosomal dominant inheritance. Affected: yes. Observed: 1 variant allele.
Comment: ACMG Criteria: PVS1_STR,PM2_SUP,PP4